The following is an entry in ClinVar:

NM_006929.5(SKIC2):c.950del (p.Gln317fs)

Genes: SKIC2 (SKI2 subunit of superkiller complex; plus strand), LOC126859653 (CDK7 strongly-dependent group 2 enhancer GRCh37_chr6:31929542-31930741; plus strand). Cytogenetic location: 6p21.33.
Variant type: Deletion.
Coding change: c.950del on transcript NM_006929.5 (MANE Select); coding-DNA position 950, one base deleted (A; older notation c.950delA).
Protein change: p.Gln317fs; shifts the reading frame from glutamine 317.
Molecular consequence: frameshift variant.
Genome position (GRCh38, 1-based): chr6:31,961,940, A deleted. VCF-style (leftmost placement, unchanged base first): chr6-31961939-CA-C. GRCh37 (hg19) VCF-style: chr6-31929716-CA-C.
Other names: c.950delA (NM_006929.5); short protein forms Q317fs.
Identifiers: ClinVar variation 2635562 (VCV002635562.4), dbSNP rs2482913862, ClinGen allele CA2695198815.

ClinVar aggregate classification (germline): Pathogenic. Review status: criteria provided, single submitter (1 of 4 stars). 2 submissions from 2 submitters: Pathogenic (1). 1 of the submissions does not count toward it. Last evaluated 2025-11-03.

Conditions:
Trichohepatoenteric syndrome. Also called: THE SYNDROME; Syndromic diarrhea; Tricho-hepato-enteric syndrome. Identifiers: Orphanet 84064, MedGen C1857276, MONDO:0009105.
SKIC2-related disorder. Also called: SKIC2-related condition.

Submissions (2):

Women's Health and Genetics/Laboratory Corporation of America, LabCorp
Classification: Pathogenic for Trichohepatoenteric syndrome. Last evaluated: 2025-11-03. Review status: criteria provided, single submitter. Criteria: LabCorp Variant Classification Summary - May 2015. Collection method: clinical testing. Allele origin: germline.
Comment: Variant summary: SKIC2 c.950delA (p.Gln317ArgfsX37) results in a premature termination codon, predicted to cause a truncation of the encoded protein or absence of the protein due to nonsense mediated decay, which are commonly known mechanisms for disease. The variant was absent in 1613066 control chromosomes. To our knowledge, no occurrence of c.950delA in individuals affected with SKIC2-related conditions and no experimental evidence demonstrating its impact on protein function have been reported. ClinVar contains an entry for this variant (Variation ID: 2635562). Based on the evidence outlined above, the variant was classified as pathogenic.

PreventionGenetics, part of Exact Sciences
Classification: Pathogenic for SKIC2-related condition. Last evaluated: 2024-03-01. Review status: no assertion criteria provided. Collection method: clinical testing. Allele origin: germline. Not counted in ClinVar's aggregate classification.
Comment: The SKIC2 c.950delA variant is predicted to result in a frameshift and premature protein termination (p.Gln317Argfs*37). To our knowledge, this variant has not been reported in the literature or in a large population database, indicating this variant is rare. Frameshift variants in SKIC2 are expected to be pathogenic. This variant is interpreted as pathogenic.